The following is an entry in ClinVar:

NM_033641.4(COL4A6):c.1433C>T (p.Ser478Leu)

Gene: COL4A6 (collagen type IV alpha 6 chain; minus strand). Cytogenetic location: Xq22.3.
Variant type: single nucleotide variant.
Coding change: c.1433C>T on transcript NM_033641.4 (MANE Select); coding-DNA position 1433, C replaced by T.
Protein change: p.Ser478Leu; replaces serine 478 with leucine.
Molecular consequence: missense variant.
Genome position (GRCh38, 1-based): chrX:108,188,671, G>A on the plus strand (C>T on the coding strand, the complement: COL4A6 is on the minus strand). VCF-style: chrX-108188671-G-A. GRCh37 (hg19) VCF-style: chrX-107431901-G-A.
Other names: c.1433C>T, p.Ser478Leu (NM_001287758.2, NM_001287759.2, NM_001287760.2); c.1436C>T, p.Ser479Leu (NM_001847.4); short protein forms S478L, S479L.
Identifiers: ClinVar variation 1716786 (VCV001716786.5), dbSNP rs780028252, ClinGen allele CA10487828.

ClinVar aggregate classification (germline): Uncertain significance (1 of 4 stars; one submission).

Allele frequency attached by ClinVar (database versions not stated): gnomAD exomes below 0.00001; ExAC 0.00001.
gnomAD v4.1: 1 of 1,148,941 alleles (0.000087%); highest among the groups gnomAD compares: South Asian, 0.0021%; no homozygotes.

Submission:

Labcorp Genetics (formerly Invitae), Labcorp
Classification: Uncertain significance. Last evaluated: 2023-09-26. Review status: criteria provided, single submitter. Criteria: Invitae Variant Classification Sherloc (09022015). Collection method: clinical testing. Allele origin: germline.
Comment: Advanced modeling of protein sequence and biophysical properties (such as structural, functional, and spatial information, amino acid conservation, physicochemical variation, residue mobility, and thermodynamic stability) performed at Invitae indicates that this missense variant is not expected to disrupt COL4A6 protein function. This sequence change replaces serine, which is neutral and polar, with leucine, which is neutral and non-polar, at codon 479 of the COL4A6 protein (p.Ser479Leu). This variant is present in population databases (rs780028252, gnomAD 0.009%). This variant has not been reported in the literature in individuals affected with COL4A6-related conditions. ClinVar contains an entry for this variant (Variation ID: 1716786). In summary, the available evidence is currently insufficient to determine the role of this variant in disease. Therefore, it has been classified as a Variant of Uncertain Significance.